The following is an entry in ClinVar:

NM_000222.3(KIT):c.1961T>C (p.Val654Ala)

Gene: KIT (KIT proto-oncogene, receptor tyrosine kinase; plus strand). Cytogenetic location: 4q12.
Variant type: single nucleotide variant.
Coding change: c.1961T>C on transcript NM_000222.3 (MANE Select); coding-DNA position 1961, T replaced by C.
Protein change: p.Val654Ala; replaces valine 654 with alanine.
Molecular consequence: missense variant.
Genome position (GRCh38, 1-based): chr4:54,728,092, T>C. VCF-style: chr4-54728092-T-C. GRCh37 (hg19) VCF-style: chr4-55594258-T-C.
Other names: c.1961T>C (NM_000222.2); c.1949T>C, p.Val650Ala (NM_001093772.2, NM_001385286.1); c.1964T>C, p.Val655Ala (NM_001385284.1, NM_001385290.1); c.1961T>C, p.Val654Ala (NM_001385285.1); c.1952T>C, p.Val651Ala (NM_001385288.1, NM_001385292.1); short protein forms V654A, V650A, V651A, V655A.
Identifiers: ClinVar variation 375921 (VCV000375921.12), dbSNP rs121913523, ClinGen allele CA16602402.

ClinVar aggregate classification (germline): Uncertain significance. Review status: criteria provided, multiple submitters, no conflicts (2 of 4 stars). 2 submissions from 2 submitters: Uncertain significance (2). Last evaluated 2024-10-19.
ClinVar aggregate classification (somatic clinical impact): Tier I - Strong (1 of 4 stars; one submission).

Conditions:
Hereditary cancer-predisposing syndrome. Also called: Neoplastic Syndromes, Hereditary; Hereditary Cancer Syndrome; Hereditary neoplastic syndrome; Tumor predisposition. Identifiers: Orphanet 140162, MedGen C0027672, MeSH D009386, MONDO:0015356.
Gastrointestinal stromal tumor. Also called: Gastrointestinal stromal tumor, somatic; Gastrointestinal stroma tumor. Identifiers: Orphanet 44890, MedGen C0238198, MeSH D046152, MONDO:0011719, OMIM 606764, HP:0100723.
Germinoma. Also called: Germinoma (disease). Identifiers: MedGen C0206660, MONDO:0002598, HP:0100620.

Allele frequency attached by ClinVar (database versions not stated): gnomAD exomes below 0.00001.
gnomAD v4.1: 1 of 1,613,672 alleles (0.000062%); highest among the groups gnomAD compares: Non-Finnish European, 0.000085%; no homozygotes.

Submissions (3):

Institute for Genomic Medicine (IGM) Clinical Laboratory, Nationwide Children's Hospital
Classification: Tier I - Strong for Germinoma. Assertion type: diagnostic. Clinical significance: supports diagnosis. Last evaluated: 2025-06-06. Review status: criteria provided, single submitter. Criteria: AMP/ASCO/CAP Guidelines, 2017. Collection method: clinical testing. Allele origin: somatic. Affected: yes.
Comment: Variant has Tier I (strong) clinical significance as a diagnostic inclusion criterion in germinoma, based on the following evidence: 1) Documented in one or more cancer databases (e.g., St. Jude Pecan, COSMIC, CIViC, OncoKB). 2) Appears in one or more well-established professional guidelines (e.g., World Health Organization [WHO]; National Comprehensive Cancer Network [NCCN]) as providing diagnostic, prognostic, or therapeutic information. 3) Diagnostic for a specific tumor type/classification based on well-powered studies with expert-level consensus (Evidence Level B; PMIDs: 24452629, 24896186, 27391150).

Labcorp Genetics (formerly Invitae), Labcorp
Classification: Uncertain significance for Gastrointestinal stromal tumor. Last evaluated: 2024-10-19. Review status: criteria provided, single submitter. Criteria: Invitae Variant Classification Sherloc (09022015). Collection method: clinical testing. Allele origin: germline.
Comment: This sequence change replaces valine, which is neutral and non-polar, with alanine, which is neutral and non-polar, at codon 654 of the KIT protein (p.Val654Ala). This variant is not present in population databases (gnomAD no frequency). This variant has not been reported in the literature in individuals affected with KIT-related conditions. ClinVar contains an entry for this variant (Variation ID: 375921). An algorithm developed to predict the effect of missense changes on protein structure and function (PolyPhen-2) suggests that this variant is likely to be disruptive. In summary, the available evidence is currently insufficient to determine the role of this variant in disease. Therefore, it has been classified as a Variant of Uncertain Significance.

Ambry Genetics
Classification: Uncertain significance for Hereditary cancer-predisposing syndrome. Last evaluated: 2024-06-03. Review status: criteria provided, single submitter. Criteria: Ambry Variant Classification Scheme 2023. Collection method: clinical testing. Allele origin: germline.
Comment: The p.V654A variant (also known as c.1961T>C), located in coding exon 13 of the KIT gene, results from a T to C substitution at nucleotide position 1961. The valine at codon 654 is replaced by alanine, an amino acid with similar properties. This amino acid position is highly conserved in available vertebrate species. In addition, this alteration is predicted to be deleterious by in silico analysis. Based on the available evidence, the clinical significance of this variant remains unclear.

Literature cited by the submitters: PubMed 24452629 (cited by Institute for Genomic Medicine (IGM) Clinical Laboratory, Nationwide Children's Hospital); PubMed 24896186 (cited by Institute for Genomic Medicine (IGM) Clinical Laboratory, Nationwide Children's Hospital); PubMed 27391150 (cited by Institute for Genomic Medicine (IGM) Clinical Laboratory, Nationwide Children's Hospital).